The following is an entry in ClinVar:

NM_007327.4(GRIN1):c.2138G>A (p.Ser713Asn)

Gene: GRIN1 (glutamate ionotropic receptor NMDA type subunit 1; plus strand). Cytogenetic location: 9q34.3.
Variant type: single nucleotide variant.
Coding change: c.2138G>A on transcript NM_007327.4 (MANE Select); coding-DNA position 2138, G replaced by A.
Protein change: p.Ser713Asn; replaces serine 713 with asparagine.
Molecular consequence: missense variant.
Genome position (GRCh38, 1-based): chr9:137,162,970, G>A. VCF-style: chr9-137162970-G-A. GRCh37 (hg19) VCF-style: chr9-140057422-G-A.
Other names: c.2138G>A, p.Ser713Asn (NM_000832.7, NM_021569.4); c.2201G>A, p.Ser734Asn (NM_001185090.2, NM_001185091.2); short protein forms S713N, S734N.
Identifiers: ClinVar variation 3252666 (VCV003252666.1), dbSNP rs2538643232.

ClinVar aggregate classification (germline): Uncertain significance (1 of 4 stars; one submission).

Submission:

GeneDx
Classification: Uncertain significance. Last evaluated: 2023-11-15. Review status: criteria provided, single submitter. Criteria: GeneDx Variant Classification Process June 2021. Collection method: clinical testing. Allele origin: germline. Affected: yes.
Comment: Not observed at significant frequency in large population cohorts (gnomAD); In silico analysis supports that this missense variant does not alter protein structure/function; Has not been previously published as pathogenic or benign to our knowledge